The following is an entry in ClinVar:

NM_001394062.1(MACF1):c.14166A>G (p.Gln4722=)

Gene: MACF1 (microtubule actin crosslinking factor 1; plus strand). Cytogenetic location: 1p34.3.
Variant type: single nucleotide variant.
Coding change: c.14166A>G on transcript NM_001394062.1 (MANE Select); coding-DNA position 14166, A replaced by G.
Protein change: p.Gln4722=; no amino-acid change (glutamine 4722 retained).
Molecular consequence: synonymous variant.
Genome position (GRCh38, 1-based): chr1:39,385,751, A>G. VCF-style: chr1-39385751-A-G. GRCh37 (hg19) VCF-style: chr1-39851423-A-G.
Other names: c.7980A>G, p.Gln2660= (NM_012090.5).
Identifiers: ClinVar variation 2071775 (VCV002071775.5), dbSNP rs146766404, ClinGen allele CA782195.

ClinVar aggregate classification (germline): Likely benign. Review status: criteria provided, multiple submitters, no conflicts (2 of 4 stars). 2 submissions from 2 submitters: Likely benign (2). Last evaluated 2026-04-08.

Conditions:
MACF1-related disorder. Also called: MACF1-related condition.

Allele frequency attached by ClinVar (database versions not stated): ExAC 0.00002; TOPMed 0.00002; gnomAD 0.00006; gnomAD exomes 0.00006; ESP Exome Variant Server 0.00015.
gnomAD v4.1: 46 of 1,614,078 alleles (0.0028%); highest among the groups gnomAD compares: Non-Finnish European, 0.0039%; no homozygotes.

Submissions (2):

PreventionGenetics, part of Exact Sciences
Classification: Likely benign for MACF1-related condition. Last evaluated: 2026-04-08. Review status: criteria provided, single submitter. Criteria: ACMG Guidelines, 2015. Collection method: clinical testing. Allele origin: germline.
Comment: This variant is classified as likely benign based on ACMG/AMP sequence variant interpretation guidelines (Richards et al. 2015 PMID: 25741868, with internal and published modifications).

Labcorp Genetics (formerly Invitae), Labcorp
Classification: Likely benign. Last evaluated: 2022-11-25. Review status: criteria provided, single submitter. Criteria: Invitae Variant Classification Sherloc (09022015). Collection method: clinical testing. Allele origin: germline.